The following is an entry in ClinVar:

NM_144585.4(SLC22A12):c.1534G>A (p.Ala512Thr)

Gene: SLC22A12 (solute carrier family 22 member 12; plus strand). Cytogenetic location: 11q13.1.
Variant type: single nucleotide variant.
Coding change: c.1534G>A on transcript NM_144585.4 (MANE Select); coding-DNA position 1534, G replaced by A.
Protein change: p.Ala512Thr; replaces alanine 512 with threonine.
Molecular consequence: missense variant.
Genome position (GRCh38, 1-based): chr11:64,600,874, G>A. VCF-style: chr11-64600874-G-A. GRCh37 (hg19) VCF-style: chr11-64368346-G-A.
Other names: c.1432G>A, p.Ala478Thr (NM_001276326.2); c.1210G>A, p.Ala404Thr (NM_001276327.2); c.871G>A, p.Ala291Thr (NM_153378.3); c.1534G>A (NM_144585.2); short protein forms A291T, A512T, A404T, A478T.
Identifiers: ClinVar variation 1351513 (VCV001351513.8), dbSNP rs759924740, ClinGen allele CA6077478.

ClinVar aggregate classification (germline): Uncertain significance. Review status: criteria provided, multiple submitters, no conflicts (2 of 4 stars). 3 submissions from 3 submitters: Uncertain significance (3). Last evaluated 2024-11-10.

Conditions:
Inborn genetic diseases. Identifiers: MedGen C0950123, MeSH D030342.
Dalmatian hypouricemia (RHUC1). Identifiers: MedGen C0473219, MONDO:0020728, OMIM 220150.

Allele frequency attached by ClinVar (database versions not stated): gnomAD 0.00003; TOPMed 0.00006; ExAC 0.00009; gnomAD exomes 0.00010.
gnomAD v4.1: 44 of 1,609,206 alleles (0.0027%); highest among the groups gnomAD compares: Admixed American, 0.045%; no homozygotes.

Submissions (3):

Ambry Genetics
Classification: Uncertain significance for Inborn genetic diseases. Last evaluated: 2024-11-10. Review status: criteria provided, single submitter. Criteria: Ambry Variant Classification Scheme 2023. Collection method: clinical testing. Allele origin: germline.

Fulgent Genetics
Classification: Uncertain significance for Dalmatian hypouricemia. Last evaluated: 2024-06-24. Review status: criteria provided, single submitter. Criteria: ACMG Guidelines, 2015. Collection method: clinical testing. Allele origin: germline.

Labcorp Genetics (formerly Invitae), Labcorp
Classification: Uncertain significance. Last evaluated: 2022-06-22. Review status: criteria provided, single submitter. Criteria: Invitae Variant Classification Sherloc (09022015). Collection method: clinical testing. Allele origin: germline.
Comment: This sequence change replaces alanine, which is neutral and non-polar, with threonine, which is neutral and polar, at codon 512 of the SLC22A12 protein (p.Ala512Thr). This variant is present in population databases (rs759924740, gnomAD 0.06%). This variant has not been reported in the literature in individuals affected with SLC22A12-related conditions. Algorithms developed to predict the effect of missense changes on protein structure and function output the following: SIFT: "Tolerated"; PolyPhen-2: "Benign"; Align-GVGD: "Class C0". The threonine amino acid residue is found in multiple mammalian species, which suggests that this missense change does not adversely affect protein function. In summary, the available evidence is currently insufficient to determine the role of this variant in disease. Therefore, it has been classified as a Variant of Uncertain Significance.